The following is an entry in ClinVar:

ClinVar aggregate classification (germline): Uncertain significance (1 of 4 stars; one submission).

Conditions:
Generalized epilepsy with febrile seizures plus, type 7 (GEFSP7). Also called: GEFS+, TYPE 7. Identifiers: Orphanet 36387, MedGen C2751778, MONDO:0013470, OMIM 613863.
Neuropathy, hereditary sensory and autonomic, type 2A (HSAN2A). Also called: ACROOSTEOLYSIS, GIACCAI TYPE; ACROOSTEOLYSIS, NEUROGENIC; HSAN IIA; WNK1-Related HSAN2 (HSAN2A); NEUROPATHY, CONGENITAL SENSORY; NEUROPATHY, HEREDITARY SENSORY RADICULAR, AUTOSOMAL RECESSIVE. Identifiers: Orphanet 970, MedGen C2752089, MONDO:0024309, OMIM 201300.

Allele frequency attached by ClinVar (database versions not stated): gnomAD 0.00001; gnomAD exomes 0.00001; TOPMed 0.00002; ExAC 0.00003.
gnomAD v4.1: 9 of 1,571,602 alleles (0.00057%); highest among the groups gnomAD compares: Admixed American, 0.0036%; no homozygotes.

Submission:

Labcorp Genetics (formerly Invitae), Labcorp
Classification: Uncertain significance for Neuropathy, hereditary sensory and autonomic, type 2A; Generalized epilepsy with febrile seizures plus, type 7. Last evaluated: 2025-07-30. Review status: criteria provided, single submitter. Criteria: Invitae Variant Classification Sherloc (09022015). Collection method: clinical testing. Allele origin: germline.
Comment: This sequence change replaces proline, which is neutral and non-polar, with leucine, which is neutral and non-polar, at codon 149 of the SCN9A protein (p.Pro149Leu). The frequency data for this variant in the population databases is considered unreliable, as metrics indicate poor data quality at this position in the gnomAD database. This variant has not been reported in the literature in individuals affected with SCN9A-related conditions. ClinVar contains an entry for this variant (Variation ID: 1427115). Invitae Evidence Modeling of protein sequence and biophysical properties (such as structural, functional, and spatial information, amino acid conservation, physicochemical variation, residue mobility, and thermodynamic stability) indicates that this missense variant is not expected to disrupt SCN9A protein function with a negative predictive value of 95%. In summary, the available evidence is currently insufficient to determine the role of this variant in disease. Therefore, it has been classified as a Variant of Uncertain Significance.

NM_001365536.1(SCN9A):c.446C>T (p.Pro149Leu)

Gene: SCN9A (sodium voltage-gated channel alpha subunit 9; minus strand). Cytogenetic location: 2q24.3.
Variant type: single nucleotide variant.
Coding change: c.446C>T on transcript NM_001365536.1 (MANE Select); coding-DNA position 446, C replaced by T.
Protein change: p.Pro149Leu; replaces proline 149 with leucine.
Molecular consequence: missense variant.
Genome position (GRCh38, 1-based): chr2:166,306,531, G>A on the plus strand (C>T on the coding strand, the complement: SCN9A is on the minus strand). VCF-style: chr2-166306531-G-A. GRCh37 (hg19) VCF-style: chr2-167163041-G-A.
Other names: c.446C>T, p.Pro149Leu (NM_002977.4); short protein forms P149L.
Identifiers: ClinVar variation 1427115 (VCV001427115.8), dbSNP rs121908921, ClinGen allele CA1944791.